The following is an entry in ClinVar:

ClinVar aggregate classification (germline): Pathogenic. Review status: criteria provided, multiple submitters, no conflicts (2 of 4 stars). 3 submissions from 3 submitters: Pathogenic (3). Last evaluated 2022-04-27.

Conditions:
SLC12A3-related disorder. Also called: SLC12A3-related condition.
Familial hypokalemia-hypomagnesemia (GTLMNS). Also called: HYPOMAGNESEMIA-HYPOKALEMIA, PRIMARY RENOTUBULAR, WITH HYPOCALCIURIA; gitelman syndrome; POTASSIUM AND MAGNESIUM DEPLETION. Identifiers: Orphanet 358, MedGen C0268450, MONDO:0009904, OMIM 263800.

Allele frequency attached by ClinVar (database versions not stated): gnomAD 0.00001; gnomAD exomes 0.00001; TOPMed 0.00001; ExAC 0.00002; 1000 Genomes Project 30x 0.00016; 1000 Genomes Project 0.00020.
gnomAD v4.1: 6 of 1,613,592 alleles (0.00037%); highest among the groups gnomAD compares: Non-Finnish European, 0.00042%; no homozygotes.

Submissions (3):

European Hospital Georges Pompidou Genetics Department, Assistance Publique - Hôpitaux de Paris AP-HP
Classification: Pathogenic for Familial hypokalemia-hypomagnesemia. Last evaluated: 2022-04-27. Review status: criteria provided, single submitter. Criteria: ACMG Guidelines, 2015. Collection method: clinical testing. Allele origin: germline. Affected: yes.
Comment: ACMG criteria used:PVS1 PM1 PM2 PM3 PP5

Labcorp Genetics (formerly Invitae), Labcorp
Classification: Pathogenic. Last evaluated: 2022-04-14. Review status: criteria provided, single submitter. Criteria: Invitae Variant Classification Sherloc (09022015). Collection method: clinical testing. Allele origin: germline.
Comment: For these reasons, this variant has been classified as Pathogenic. Algorithms developed to predict the effect of sequence changes on RNA splicing suggest that this variant may disrupt the consensus splice site. This variant is also known as c.1569-1G>A. Disruption of this splice site has been observed in individuals with Gitelman syndrome (PMID: 17654016). This variant is present in population databases (rs199511487, gnomAD 0.004%). This sequence change affects an acceptor splice site in intron 12 of the SLC12A3 gene. It is expected to disrupt RNA splicing. Variants that disrupt the donor or acceptor splice site typically lead to a loss of protein function (PMID: 16199547), and loss-of-function variants in SLC12A3 are known to be pathogenic (PMID: 20848653, 22009145, 25841442).

Blueprint Genetics
Classification: Pathogenic for SLC12A3-related disorders. Last evaluated: 2020-09-11. Review status: criteria provided, single submitter. Criteria: ACMG Guidelines, 2015. Collection method: clinical testing. Allele origin: germline. Affected: yes. Observed: 1 variant allele.

Literature cited by the submitters: PubMed 17654016 (cited by Labcorp Genetics (formerly Invitae), Labcorp); PubMed 16199547 (cited by Labcorp Genetics (formerly Invitae), Labcorp); PubMed 20848653 (cited by Labcorp Genetics (formerly Invitae), Labcorp); PubMed 22009145 (cited by Labcorp Genetics (formerly Invitae), Labcorp); PubMed 25841442 (cited by Labcorp Genetics (formerly Invitae), Labcorp).

NM_001126108.2(SLC12A3):c.1568-1G>A

Gene: SLC12A3 (solute carrier family 12 member 3; plus strand). Cytogenetic location: 16q13.
Variant type: single nucleotide variant.
Coding change: c.1568-1G>A on transcript NM_001126108.2 (MANE Select); the canonical splice acceptor site of the intron before coding-DNA position 1568, G replaced by A.
Molecular consequence: splice acceptor variant.
Genome position (GRCh38, 1-based): chr16:56,882,395, G>A. VCF-style: chr16-56882395-G-A. GRCh37 (hg19) VCF-style: chr16-56916307-G-A.
Other names: c.1568-1G>A (NM_000339.3); c.1565-1G>A (NM_001126107.2, NM_001410896.1).
Identifiers: ClinVar variation 1393569 (VCV001393569.10), dbSNP rs199511487, ClinGen allele CA8069538.